The following is an entry in ClinVar:

NM_018051.5(DYNC2I1):c.490G>A (p.Val164Ile)

Gene: DYNC2I1 (dynein 2 intermediate chain 1; plus strand). Cytogenetic location: 7q36.3.
Variant type: single nucleotide variant.
Coding change: c.490G>A on transcript NM_018051.5 (MANE Select); coding-DNA position 490, G replaced by A.
Protein change: p.Val164Ile; replaces valine 164 with isoleucine.
Molecular consequence: missense variant. On other transcripts: 5 prime UTR variant (4).
Genome position (GRCh38, 1-based): chr7:158,871,562, G>A. VCF-style: chr7-158871562-G-A. GRCh37 (hg19) VCF-style: chr7-158664253-G-A.
Other names: c.352G>A, p.Val118Ile (NM_001350914.2); c.-28G>A (NM_001350915.2); c.-869G>A (NM_001350916.2); c.-877G>A (NM_001350917.2); c.-996G>A (NM_001350918.2); short protein forms V164I, V118I.
Identifiers: ClinVar variation 516235 (VCV000516235.13), dbSNP rs78313003, ClinGen allele CA4594305.

ClinVar aggregate classification (germline): Benign. Review status: criteria provided, multiple submitters, no conflicts (2 of 4 stars). 4 submissions from 4 submitters: Benign (4). Last evaluated 2026-02-04.

Conditions:
Short-rib thoracic dysplasia 8 with or without polydactyly (SRTD8). Also called: SHORT-RIB THORACIC DYSPLASIA 8 WITH POLYDACTYLY. Identifiers: Orphanet 93271, MedGen C3809691, MONDO:0014214, OMIM 615503.

Allele frequency attached by ClinVar (database versions not stated): gnomAD exomes 0.04306; ESP Exome Variant Server 0.05208; ExAC 0.05795; gnomAD 0.06216 and 0.06387; TOPMed 0.06285; 1000 Genomes Project 0.06669; 1000 Genomes Project 30x 0.07089.
gnomAD v4.1: 72,324 of 1,531,064 alleles (4.7%); highest among the groups gnomAD compares: African/African-American, 11%; 2,020 homozygotes.

Submissions 1 to 32 of 104:

Labcorp Genetics (formerly Invitae), Labcorp
Classification: Benign for Short-rib thoracic dysplasia 8 with or without polydactyly. Last evaluated: 2026-02-04. Review status: criteria provided, single submitter. Criteria: Invitae Variant Classification Sherloc (09022015). Collection method: clinical testing. Allele origin: germline.

Blueprint Genetics
Classification: Benign. Last evaluated: 2024-11-27. Review status: criteria provided, single submitter. Criteria: ACMG Guidelines, 2015. Collection method: clinical testing. Allele origin: germline.

GeneDx
Classification: Benign. Last evaluated: 2017-09-13. Review status: criteria provided, single submitter. Criteria: GeneDx Variant Classification (06012015). Collection method: clinical testing. Allele origin: germline. Affected: yes.
Comment: This variant is considered likely benign or benign based on one or more of the following criteria: it is a conservative change, it occurs at a poorly conserved position in the protein, it is predicted to be benign by multiple in silico algorithms, and/or has population frequency not consistent with disease.

Breakthrough Genomics
Classification: Benign. Review status: criteria provided, single submitter. Criteria: ACMG Guidelines, 2015. Collection method: not provided. Allele origin: germline. Inheritance: Autosomal recessive inheritance. Affected: yes.

Dr. Peter K. Rogan Lab, Western University
No classification provided (evidence only). Condition: Acute myeloid leukemia. Review status: no classification provided. Collection method: in vitro. Allele origin: not applicable. Functional consequence: retained intron. Not counted in ClinVar's aggregate classification.

Dr. Peter K. Rogan Lab, Western University
No classification provided (evidence only). Condition: Acute myeloid leukemia. Review status: no classification provided. Collection method: in vitro. Allele origin: not applicable. Functional consequence: retained intron. Not counted in ClinVar's aggregate classification.

Dr. Peter K. Rogan Lab, Western University
No classification provided (evidence only). Condition: Acute myeloid leukemia. Review status: no classification provided. Collection method: in vitro. Allele origin: not applicable. Functional consequence: retained intron. Not counted in ClinVar's aggregate classification.

Dr. Peter K. Rogan Lab, Western University
No classification provided (evidence only). Condition: Acute myeloid leukemia. Review status: no classification provided. Collection method: in vitro. Allele origin: not applicable. Functional consequence: retained intron. Not counted in ClinVar's aggregate classification.

Dr. Peter K. Rogan Lab, Western University
No classification provided (evidence only). Condition: Colon adenocarcinoma. Review status: no classification provided. Collection method: in vitro. Allele origin: not applicable. Functional consequence: retained intron. Not counted in ClinVar's aggregate classification.

Dr. Peter K. Rogan Lab, Western University
No classification provided (evidence only). Condition: Colorectal cancer. Review status: no classification provided. Collection method: in vitro. Allele origin: not applicable. Functional consequence: retained intron. Not counted in ClinVar's aggregate classification.

Dr. Peter K. Rogan Lab, Western University
No classification provided (evidence only). Condition: Colorectal cancer. Review status: no classification provided. Collection method: in vitro. Allele origin: not applicable. Functional consequence: retained intron. Not counted in ClinVar's aggregate classification.

Dr. Peter K. Rogan Lab, Western University
No classification provided (evidence only). Condition: Uterine corpus endometrial carcinoma. Review status: no classification provided. Collection method: in vitro. Allele origin: not applicable. Functional consequence: retained intron. Not counted in ClinVar's aggregate classification.

Dr. Peter K. Rogan Lab, Western University
No classification provided (evidence only). Condition: Uterine corpus endometrial carcinoma. Review status: no classification provided. Collection method: in vitro. Allele origin: not applicable. Functional consequence: retained intron. Not counted in ClinVar's aggregate classification.

Dr. Peter K. Rogan Lab, Western University
No classification provided (evidence only). Condition: Uterine corpus endometrial carcinoma. Review status: no classification provided. Collection method: in vitro. Allele origin: not applicable. Functional consequence: retained intron. Not counted in ClinVar's aggregate classification.

Dr. Peter K. Rogan Lab, Western University
No classification provided (evidence only). Condition: Uterine corpus endometrial carcinoma. Review status: no classification provided. Collection method: in vitro. Allele origin: not applicable. Functional consequence: retained intron. Not counted in ClinVar's aggregate classification.

Dr. Peter K. Rogan Lab, Western University
No classification provided (evidence only). Condition: Uterine corpus endometrial carcinoma. Review status: no classification provided. Collection method: in vitro. Allele origin: not applicable. Functional consequence: retained intron. Not counted in ClinVar's aggregate classification.

Dr. Peter K. Rogan Lab, Western University
No classification provided (evidence only). Condition: Cervical cancer. Review status: no classification provided. Collection method: in vitro. Allele origin: not applicable. Functional consequence: retained intron. Not counted in ClinVar's aggregate classification.

Dr. Peter K. Rogan Lab, Western University
No classification provided (evidence only). Condition: Cervical cancer. Review status: no classification provided. Collection method: in vitro. Allele origin: not applicable. Functional consequence: retained intron. Not counted in ClinVar's aggregate classification.

Dr. Peter K. Rogan Lab, Western University
No classification provided (evidence only). Condition: Cervical cancer. Review status: no classification provided. Collection method: in vitro. Allele origin: not applicable. Functional consequence: retained intron. Not counted in ClinVar's aggregate classification.

Dr. Peter K. Rogan Lab, Western University
No classification provided (evidence only). Condition: Cervical cancer. Review status: no classification provided. Collection method: in vitro. Allele origin: not applicable. Functional consequence: retained intron. Not counted in ClinVar's aggregate classification.

Dr. Peter K. Rogan Lab, Western University
No classification provided (evidence only). Condition: Cervical cancer. Review status: no classification provided. Collection method: in vitro. Allele origin: not applicable. Functional consequence: retained intron. Not counted in ClinVar's aggregate classification.

Dr. Peter K. Rogan Lab, Western University
No classification provided (evidence only). Condition: Cervical cancer. Review status: no classification provided. Collection method: in vitro. Allele origin: not applicable. Functional consequence: retained intron. Not counted in ClinVar's aggregate classification.

Dr. Peter K. Rogan Lab, Western University
No classification provided (evidence only). Condition: Sarcoma. Review status: no classification provided. Collection method: in vitro. Allele origin: not applicable. Functional consequence: retained intron. Not counted in ClinVar's aggregate classification.

Dr. Peter K. Rogan Lab, Western University
No classification provided (evidence only). Condition: Sarcoma. Review status: no classification provided. Collection method: in vitro. Allele origin: not applicable. Functional consequence: retained intron. Not counted in ClinVar's aggregate classification.

Dr. Peter K. Rogan Lab, Western University
No classification provided (evidence only). Condition: Sarcoma. Review status: no classification provided. Collection method: in vitro. Allele origin: not applicable. Functional consequence: retained intron. Not counted in ClinVar's aggregate classification.

Dr. Peter K. Rogan Lab, Western University
No classification provided (evidence only). Condition: Sarcoma. Review status: no classification provided. Collection method: in vitro. Allele origin: not applicable. Functional consequence: retained intron. Not counted in ClinVar's aggregate classification.

Dr. Peter K. Rogan Lab, Western University
No classification provided (evidence only). Condition: Sarcoma. Review status: no classification provided. Collection method: in vitro. Allele origin: not applicable. Functional consequence: retained intron. Not counted in ClinVar's aggregate classification.

Dr. Peter K. Rogan Lab, Western University
No classification provided (evidence only). Condition: Sarcoma. Review status: no classification provided. Collection method: in vitro. Allele origin: not applicable. Functional consequence: retained intron. Not counted in ClinVar's aggregate classification.

Dr. Peter K. Rogan Lab, Western University
No classification provided (evidence only). Condition: Sarcoma. Review status: no classification provided. Collection method: in vitro. Allele origin: not applicable. Functional consequence: retained intron. Not counted in ClinVar's aggregate classification.

Dr. Peter K. Rogan Lab, Western University
No classification provided (evidence only). Condition: Sarcoma. Review status: no classification provided. Collection method: in vitro. Allele origin: not applicable. Functional consequence: retained intron. Not counted in ClinVar's aggregate classification.

Dr. Peter K. Rogan Lab, Western University
No classification provided (evidence only). Condition: Sarcoma. Review status: no classification provided. Collection method: in vitro. Allele origin: not applicable. Functional consequence: retained intron. Not counted in ClinVar's aggregate classification.

Dr. Peter K. Rogan Lab, Western University
No classification provided (evidence only). Condition: Sarcoma. Review status: no classification provided. Collection method: in vitro. Allele origin: not applicable. Functional consequence: retained intron. Not counted in ClinVar's aggregate classification.